The following is an entry in ClinVar:

ClinVar aggregate classification (germline): Uncertain significance (1 of 4 stars; one submission).

Conditions:
Hereditary cancer-predisposing syndrome. Also called: Tumor predisposition; Hereditary neoplastic syndrome; Neoplastic Syndromes, Hereditary; Hereditary Cancer Syndrome. Identifiers: Orphanet 140162, MedGen C0027672, MeSH D009386, MONDO:0015356.

Submission:

Labcorp Genetics (formerly Invitae), Labcorp
Classification: Uncertain significance for Hereditary cancer-predisposing syndrome. Last evaluated: 2020-10-19. Review status: criteria provided, single submitter. Criteria: Invitae Variant Classification Sherloc (09022015). Collection method: clinical testing. Allele origin: germline.
Comment: In summary, the available evidence is currently insufficient to determine the role of this variant in disease. Therefore, it has been classified as a Variant of Uncertain Significance. Algorithms developed to predict the effect of missense changes on protein structure and function (SIFT, PolyPhen-2, Align-GVGD) all suggest that this variant is likely to be tolerated, but these predictions have not been confirmed by published functional studies and their clinical significance is uncertain. This variant has not been reported in the literature in individuals with RAD50-related conditions. This variant is not present in population databases (ExAC no frequency). This sequence change replaces methionine with isoleucine at codon 540 of the RAD50 protein (p.Met540Ile). The methionine residue is moderately conserved and there is a small physicochemical difference between methionine and isoleucine.

NM_005732.4(RAD50):c.1620G>A (p.Met540Ile)

Gene: RAD50 (RAD50 double strand break repair protein; plus strand). Cytogenetic location: 5q31.1.
Variant type: single nucleotide variant.
Coding change: c.1620G>A on transcript NM_005732.4 (MANE Select); coding-DNA position 1620, G replaced by A.
Protein change: p.Met540Ile; replaces methionine 540 with isoleucine.
Molecular consequence: missense variant.
Genome position (GRCh38, 1-based): chr5:132,591,391, G>A. VCF-style: chr5-132591391-G-A. GRCh37 (hg19) VCF-style: chr5-131927083-G-A.
Other names: short protein forms M540I.
Identifiers: ClinVar variation 1009130 (VCV001009130.9), dbSNP rs1287911518, ClinGen allele CA360946162.